The following is an entry in ClinVar:

ClinVar aggregate classification (germline): Uncertain significance (1 of 4 stars; one submission).

Submission:

Labcorp Genetics (formerly Invitae), Labcorp
Classification: Uncertain significance. Last evaluated: 2022-06-14. Review status: criteria provided, single submitter. Criteria: Invitae Variant Classification Sherloc (09022015). Collection method: clinical testing. Allele origin: germline.
Comment: In summary, the available evidence is currently insufficient to determine the role of this variant in disease. Therefore, it has been classified as a Variant of Uncertain Significance. Algorithms developed to predict the effect of sequence changes on RNA splicing suggest that this variant may disrupt the consensus splice site. This variant has not been reported in the literature in individuals affected with COL27A1-related conditions. This variant is not present in population databases (gnomAD no frequency). This sequence change falls in intron 47 of the COL27A1 gene. It does not directly change the encoded amino acid sequence of the COL27A1 protein.

NM_032888.4(COL27A1):c.4368+17_4368+32del

Gene: COL27A1 (collagen type XXVII alpha 1 chain; plus strand). Cytogenetic location: 9q32.
Variant type: Deletion.
Coding change: c.4368+17_4368+32del on transcript NM_032888.4 (MANE Select); bases 17 to 32 of the intron after coding-DNA position 4368, 16 bases deleted (ATTAACAGATGGTGGC).
Molecular consequence: intron variant.
Genome position (GRCh38, 1-based): chr9:114,290,348-114,290,363, ATTAACAGATGGTGGC deleted; deleting any 16 consecutive bases within chr9:114,290,344-114,290,363 gives the same sequence; the c. name uses the placement nearest the transcript's 3' end. VCF-style (leftmost placement, unchanged base first): chr9-114290343-TTGGCATTAACAGATGG-T. GRCh37 (hg19) VCF-style: chr9-117052623-TTGGCATTAACAGATGG-T.
Identifiers: ClinVar variation 2003683 (VCV002003683.4), dbSNP rs2490282016, ClinGen allele CA2580079474.